The following is an entry in ClinVar:

NM_000238.4(KCNH2):c.2287G>C (p.Ala763Pro)

Gene: KCNH2 (potassium voltage-gated channel subfamily H member 2; minus strand). Cytogenetic location: 7q36.1.
Variant type: single nucleotide variant.
Coding change: c.2287G>C on transcript NM_000238.4 (MANE Select); coding-DNA position 2287, G replaced by C.
Protein change: p.Ala763Pro; replaces alanine 763 with proline.
Molecular consequence: missense variant. On other transcripts: non-coding transcript variant (2).
Genome position (GRCh38, 1-based): chr7:150,950,279, C>G on the plus strand (G>C on the coding strand, the complement: KCNH2 is on the minus strand). VCF-style: chr7-150950279-C-G. GRCh37 (hg19) VCF-style: chr7-150647367-C-G.
Other names: c.1267G>C, p.Ala423Pro (NM_001204798.2, NM_172057.3); c.1999G>C, p.Ala667Pro (NM_001406753.1, NM_001406756.1); c.2110G>C, p.Ala704Pro (NM_001406755.1); c.1987G>C, p.Ala663Pro (NM_001406757.1); c.2287G>C, p.Ala763Pro (NM_172056.3); short protein forms A423P, A663P, A667P, A704P, A763P.
Identifiers: ClinVar variation 3075325 (VCV003075325.1), dbSNP rs1801088876, ClinGen allele CA369856283.

ClinVar aggregate classification (germline): Uncertain significance (1 of 4 stars; one submission).

Conditions:
Long QT syndrome (LQTS). Identifiers: MedGen C0023976, MeSH D008133, MONDO:0002442. Disease mechanism: loss of function. Inheritance: Various modes of inheritance.

Submission:

All of Us Research Program, National Institutes of Health
Classification: Uncertain significance for Long QT syndrome. Last evaluated: 2024-01-11. Review status: criteria provided, single submitter. Criteria: ACMG Guidelines, 2015. Collection method: clinical testing. Allele origin: germline. Inheritance: Autosomal dominant inheritance. Observed: 1 variant allele, 1 heterozygote.
Comment: This study involves interpretation of variants in research participants for the purpose of population health screening. Participant phenotype was not available at the time of variant classification. Additional details can be found in publication PMID: 35346344, PMCID: PMC8962531